The following is an entry in ClinVar:

ClinVar aggregate classification (germline): Uncertain significance. Review status: criteria provided, single submitter (1 of 4 stars). 3 submissions from 3 submitters: Uncertain significance (1). 2 of the submissions do not count toward it. Last evaluated 2022-04-04.

Conditions:
Combined deficiency of sialidase AND beta galactosidase (GSL). Also called: GOLDBERG SYNDROME; Galactosialidosis; CATHEPSIN A DEFICIENCY; NEURAMINIDASE DEFICIENCY WITH BETA-GALACTOSIDASE DEFICIENCY; NEURAMINIDASE/BETA-GALACTOSIDASE EXPRESSION; PPCA DEFICIENCY. Identifiers: Orphanet 351, MedGen C0268233, MONDO:0009737, OMIM 256540.
GALACTOSIALIDOSIS, EARLY INFANTILE. Identifiers: MedGen C4017294.

Allele frequency attached by ClinVar (database versions not stated): gnomAD 0.00001; ExAC 0.00002; TOPMed below 0.00001; gnomAD exomes 0.00001.
gnomAD v4.1: 17 of 1,614,056 alleles (0.0011%); highest among the groups gnomAD compares: Middle Eastern, 0.016%; no homozygotes.

Submissions (3):

Labcorp Genetics (formerly Invitae), Labcorp
Classification: Uncertain significance for Combined deficiency of sialidase AND beta galactosidase. Last evaluated: 2022-04-04. Review status: criteria provided, single submitter. Criteria: Invitae Variant Classification Sherloc (09022015). Collection method: clinical testing. Allele origin: germline.
Comment: This sequence change replaces valine, which is neutral and non-polar, with methionine, which is neutral and non-polar, at codon 150 of the CTSA protein (p.Val150Met). This variant is present in population databases (rs137854545, gnomAD 0.003%). This missense change has been observed in individual(s) with galactosialidosis (PMID: 8968752). ClinVar contains an entry for this variant (Variation ID: 383). Algorithms developed to predict the effect of missense changes on protein structure and function are either unavailable or do not agree on the potential impact of this missense change (SIFT: "Not Available"; PolyPhen-2: "Probably Damaging"; Align-GVGD: "Not Available"). Experimental studies have shown that this missense change affects CTSA function (PMID: 8968752). In summary, the available evidence is currently insufficient to determine the role of this variant in disease. Therefore, it has been classified as a Variant of Uncertain Significance.

OMIM
Classification: Pathogenic for GALACTOSIALIDOSIS, EARLY INFANTILE. Last evaluated: 1991-12-01. Review status: no assertion criteria provided. Collection method: literature only. Allele origin: germline. Not counted in ClinVar's aggregate classification.

Unidad de Diagnostico y Tratamiento de Errores Congenitos del Metabolismo. Hospital Clínico Universitário de Santiago de Compostela
Classification: Pathogenic for Combined deficiency of sialidase AND beta galactosidase. Review status: no assertion criteria provided. Collection method: research. Allele origin: inherited. Affected: yes. Not counted in ClinVar's aggregate classification.

Literature cited by the submitters: PubMed 8968752 (cited by Labcorp Genetics (formerly Invitae), Labcorp); PubMed 1756715 (cited by OMIM).

NM_000308.4(CTSA):c.394G>A (p.Val132Met)

Gene: CTSA (cathepsin A; plus strand). Cytogenetic location: 20q13.12.
Variant type: single nucleotide variant.
Coding change: c.394G>A on transcript NM_000308.4 (MANE Select); coding-DNA position 394, G replaced by A.
Protein change: p.Val132Met; replaces valine 132 with methionine.
Molecular consequence: missense variant. On other transcripts: non-coding transcript variant (1).
Genome position (GRCh38, 1-based): chr20:45,892,434, G>A. VCF-style: chr20-45892434-G-A. GRCh37 (hg19) VCF-style: chr20-44521073-G-A.
Other names: V104M; c.394G>A, p.Val132Met (NM_001127695.3); c.343G>A, p.Val115Met (NM_001167594.3); short protein forms V132M, V115M.
Identifiers: ClinVar variation 383 (VCV000000383.5), dbSNP rs137854545, ClinGen allele CA114218.
Genomic context (GRCh38, chr20:45,892,434, plus strand): 5'-AGCTAATTTTTCCCTCCCCTCTAGATTGCCAATGTGTTATACCTGGAGTCCCCAGCTGGG[G>A]TGGGCTTCTCCTACTCCGATGACAAGTTTTATGCAACTAATGACACTGAGGTGAGTCTGG-3'
Protein context (NP_000299.3, residues 122-142): NVLYLESPAG[Val132Met]GFSYSDDKFY